The following is an entry in ClinVar:

NM_002206.3(ITGA7):c.3055G>C (p.Val1019Leu)

Gene: ITGA7 (integrin subunit alpha 7; minus strand). Cytogenetic location: 12q13.2.
Variant type: single nucleotide variant.
Coding change: c.3055G>C on transcript NM_002206.3 (MANE Select); coding-DNA position 3055, G replaced by C.
Protein change: p.Val1019Leu; replaces valine 1019 with leucine.
Molecular consequence: missense variant.
Genome position (GRCh38, 1-based): chr12:55,688,204, C>G on the plus strand (G>C on the coding strand, the complement: ITGA7 is on the minus strand). VCF-style: chr12-55688204-C-G. GRCh37 (hg19) VCF-style: chr12-56081988-C-G.
Other names: c.3067G>C, p.Val1023Leu (NM_001144996.2); c.2776G>C, p.Val926Leu (NM_001144997.2); c.2728G>C, p.Val910Leu (NM_001367993.1); c.1711G>C, p.Val571Leu (NM_001367994.1); c.3037G>C, p.Val1013Leu (NM_001374465.1); c.3187G>C, p.Val1063Leu (NM_001410977.1); c.3049G>C, p.Val1017Leu (NM_001414029.1); c.2980G>C, p.Val994Leu (NM_001414030.1); and 5 more; short protein forms V1013L, V1017L, V1019L, V1023L, V1063L, V571L, V906L, V910L.
Identifiers: ClinVar variation 2422071 (VCV002422071.6), dbSNP rs766486782, ClinGen allele CA6615366.
Genomic context (GRCh38, chr12:55,688,204, plus strand): 5'-TGGAGGGAGCAGGAAAGAAGAGAGTCCTCCCCACCTATCCCCCAACCCTGCAGCTCACCA[C>G]TGTGGAGGCATCTCGGAGCATCAAGTTCTTTATGGAGGACTTCACTGTGATGTTGGCCCG-3'
Protein context (NP_002197.2, residues 1009-1029): KNLMLRDAST[Val1019Leu]IPVMVYLDPM

ClinVar aggregate classification (germline): Uncertain significance (1 of 4 stars; one submission).

Conditions:
Congenital muscular dystrophy due to integrin alpha-7 deficiency. Also called: MYOPATHY, CONGENITAL, DUE TO INTEGRIN ALPHA-7 DEFICIENCY; Muscular dystrophy, congenital, due to ITGA7 deficiency; Congenital muscular dystrophy with integrin alpha-7 deficiency. Identifiers: Orphanet 34520, MedGen C2750786, MONDO:0013177, OMIM 613204.

Allele frequency attached by ClinVar (database versions not stated): ExAC 0.00001.

Submission:

Labcorp Genetics (formerly Invitae), Labcorp
Classification: Uncertain significance for Congenital muscular dystrophy due to integrin alpha-7 deficiency. Last evaluated: 2022-05-28. Review status: criteria provided, single submitter. Criteria: Invitae Variant Classification Sherloc (09022015). Collection method: clinical testing. Allele origin: germline.
Comment: Algorithms developed to predict the effect of missense changes on protein structure and function (SIFT, PolyPhen-2, Align-GVGD) all suggest that this variant is likely to be tolerated. This sequence change replaces valine, which is neutral and non-polar, with leucine, which is neutral and non-polar, at codon 1019 of the ITGA7 protein (p.Val1019Leu). This variant is present in population databases (rs766486782, gnomAD 0.003%). This variant has not been reported in the literature in individuals affected with ITGA7-related conditions. In summary, the available evidence is currently insufficient to determine the role of this variant in disease. Therefore, it has been classified as a Variant of Uncertain Significance.